The following is an entry in ClinVar:

ClinVar aggregate classification (germline): Uncertain significance (1 of 4 stars; one submission).

Submission:

Mayo Clinic Laboratories, Mayo Clinic
Classification: Uncertain significance. Last evaluated: 2024-03-19. Review status: criteria provided, single submitter. Criteria: ACMG Guidelines, 2015. Collection method: clinical testing. Allele origin: germline. Observed: 1 variant allele.
Comment: PP3, PM1_supporting, PM2_moderate

NM_000132.4(F8):c.662T>C (p.Phe221Ser)

Gene: F8 (coagulation factor VIII; minus strand). Cytogenetic location: Xq28.
Variant type: single nucleotide variant.
Coding change: c.662T>C on transcript NM_000132.4 (MANE Select); coding-DNA position 662, T replaced by C.
Protein change: p.Phe221Ser; replaces phenylalanine 221 with serine.
Molecular consequence: missense variant.
Genome position (GRCh38, 1-based): chrX:154,987,245, A>G on the plus strand (T>C on the coding strand, the complement: F8 is on the minus strand). VCF-style: chrX-154987245-A-G. GRCh37 (hg19) VCF-style: chrX-154215520-A-G.
Other names: p.Phe221Ser; short protein forms F221S.
Identifiers: ClinVar variation 3380770 (VCV003380770.1).